The following is an entry in ClinVar:

NM_001330360.2(POLA1):c.1757A>G (p.Gln586Arg)

Gene: POLA1 (DNA polymerase alpha 1, catalytic subunit; plus strand). Cytogenetic location: Xp22.11.
Variant type: single nucleotide variant.
Coding change: c.1757A>G on transcript NM_001330360.2 (MANE Select); coding-DNA position 1757, A replaced by G.
Protein change: p.Gln586Arg; replaces glutamine 586 with arginine.
Molecular consequence: missense variant. On other transcripts: non-coding transcript variant (2).
Genome position (GRCh38, 1-based): chrX:24,732,440, A>G. VCF-style: chrX-24732440-A-G. GRCh37 (hg19) VCF-style: chrX-24750557-A-G.
Other names: c.1682A>G, p.Gln561Arg (NM_001378303.1); c.1739A>G, p.Gln580Arg (NM_016937.4); short protein forms Q561R, Q586R, Q580R.
Identifiers: ClinVar variation 1358852 (VCV001358852.8), dbSNP rs2148373071, ClinGen allele CA412534634.

ClinVar aggregate classification (germline): Uncertain significance (1 of 4 stars; one submission).

gnomAD v4.1: 1 of 1,164,824 alleles (0.000086%); highest among the groups gnomAD compares: Non-Finnish European, 0.00012%; no homozygotes.

Submission:

Labcorp Genetics (formerly Invitae), Labcorp
Classification: Uncertain significance. Last evaluated: 2022-10-24. Review status: criteria provided, single submitter. Criteria: Invitae Variant Classification Sherloc (09022015). Collection method: clinical testing. Allele origin: germline.
Comment: This sequence change replaces glutamine, which is neutral and polar, with arginine, which is basic and polar, at codon 580 of the POLA1 protein (p.Gln580Arg). This variant is not present in population databases (gnomAD no frequency). This variant has not been reported in the literature in individuals affected with POLA1-related conditions. ClinVar contains an entry for this variant (Variation ID: 1358852). Advanced modeling of protein sequence and biophysical properties (such as structural, functional, and spatial information, amino acid conservation, physicochemical variation, residue mobility, and thermodynamic stability) performed at Invitae indicates that this missense variant is expected to disrupt POLA1 protein function. In summary, the available evidence is currently insufficient to determine the role of this variant in disease. Therefore, it has been classified as a Variant of Uncertain Significance.